The following is an entry in ClinVar:

NM_015295.3(SMCHD1):c.261del (p.Phe87fs)

Gene: SMCHD1 (structural maintenance of chromosomes flexible hinge domain containing 1; plus strand). Cytogenetic location: 18p11.32.
Variant type: Deletion.
Coding change: c.261del on transcript NM_015295.3 (MANE Select); coding-DNA position 261, one base deleted (T; older notation c.261delT).
Protein change: p.Phe87fs; shifts the reading frame from phenylalanine 87.
Molecular consequence: frameshift variant.
Genome position (GRCh38, 1-based): chr18:2,666,231, T deleted; the last of 4 consecutive T bases (chr18:2,666,228-2,666,231); deleting any one gives the same sequence. VCF-style (leftmost placement, unchanged base first): chr18-2666227-AT-A. GRCh37 (hg19) VCF-style: chr18-2666226-AT-A.
Other names: short protein forms F87fs.
Identifiers: ClinVar variation 1341966 (VCV001341966.7), dbSNP rs2143801614, ClinGen allele CA2573054635.

ClinVar aggregate classification (germline): Pathogenic. Review status: criteria provided, single submitter (1 of 4 stars). 2 submissions from 2 submitters: Pathogenic (1). 1 of the submissions does not count toward it. Last evaluated 2021-10-12.

Conditions:
Muscle weakness. Identifiers: MedGen C0151786, HP:0001324.
Facioscapulohumeral muscular dystrophy 2 (FSHD2). Also called: FSHD2, DIGENIC; FACIOSCAPULOHUMERAL MUSCULAR DYSTROPHY 2, DIGENIC; MUSCULAR DYSTROPHY, FACIOSCAPULOHUMERAL, TYPE 1B. Identifiers: Orphanet 269, MedGen C1834671, MONDO:0008031, OMIM 158901.

Submissions (2):

Labcorp Genetics (formerly Invitae), Labcorp
Classification: Pathogenic for Facioscapulohumeral muscular dystrophy 2. Last evaluated: 2021-10-12. Review status: criteria provided, single submitter. Criteria: Invitae Variant Classification Sherloc (09022015). Collection method: clinical testing. Allele origin: germline.
Comment: This sequence change creates a premature translational stop signal (p.Phe87Leufs*22) in the SMCHD1 gene. It is expected to result in an absent or disrupted protein product. Loss-of-function variants in SMCHD1 are known to be pathogenic (PMID: 23143600). This variant is not present in population databases (ExAC no frequency). This variant has not been reported in the literature in individuals affected with SMCHD1-related conditions. For these reasons, this variant has been classified as Pathogenic.

Institute of Human Genetics, University of Wuerzburg
Classification: Likely pathogenic for Muscle weakness. Review status: no assertion criteria provided. Collection method: clinical testing. Allele origin: unknown. Affected: yes. Observed: 1 variant allele. Not counted in ClinVar's aggregate classification.

Literature cited by the submitters: PubMed 23143600 (cited by Labcorp Genetics (formerly Invitae), Labcorp).